The following is an entry in ClinVar:

NM_004706.4(ARHGEF1):c.497C>T (p.Thr166Met)

Gene: ARHGEF1 (Rho guanine nucleotide exchange factor 1; plus strand). Cytogenetic location: 19q13.2.
Variant type: single nucleotide variant.
Coding change: c.497C>T on transcript NM_004706.4 (MANE Select); coding-DNA position 497, C replaced by T.
Protein change: p.Thr166Met; replaces threonine 166 with methionine.
Molecular consequence: missense variant. On other transcripts: non-coding transcript variant (2).
Genome position (GRCh38, 1-based): chr19:41,892,732, C>T. VCF-style: chr19-41892732-C-T. GRCh37 (hg19) VCF-style: chr19-42396803-C-T.
Other names: c.497C>T, p.Thr166Met (NM_001396000.1, NM_001396003.1, NM_001396006.1); c.398C>T, p.Thr133Met (NM_001396002.1, NM_001396004.1, NM_198977.2); c.542C>T, p.Thr181Met (NM_199002.2); c.542C>T (NM_199002.1); short protein forms T133M, T166M, T181M.
Identifiers: ClinVar variation 2419450 (VCV002419450.7), dbSNP rs1276987407, ClinGen allele CA406048132.

ClinVar aggregate classification (germline): Uncertain significance. Review status: criteria provided, multiple submitters, no conflicts (2 of 4 stars). 2 submissions from 2 submitters: Uncertain significance (2). Last evaluated 2025-08-04.

Allele frequency attached by ClinVar (database versions not stated): gnomAD 0.00001; gnomAD exomes 0.00001; TOPMed 0.00002.
gnomAD v4.1: 21 of 1,611,920 alleles (0.0013%); highest among the groups gnomAD compares: Non-Finnish European, 0.0014%; no homozygotes.

Submissions (2):

Ambry Genetics
Classification: Uncertain significance. Last evaluated: 2025-08-04. Review status: criteria provided, single submitter. Criteria: Ambry Variant Classification Scheme 2023. Collection method: clinical testing. Allele origin: germline.

Labcorp Genetics (formerly Invitae), Labcorp
Classification: Uncertain significance. Last evaluated: 2024-10-22. Review status: criteria provided, single submitter. Criteria: Invitae Variant Classification Sherloc (09022015). Collection method: clinical testing. Allele origin: germline.
Comment: This sequence change replaces threonine, which is neutral and polar, with methionine, which is neutral and non-polar, at codon 181 of the ARHGEF1 protein (p.Thr181Met). This variant is not present in population databases (gnomAD no frequency). This variant has not been reported in the literature in individuals affected with ARHGEF1-related conditions. ClinVar contains an entry for this variant (Variation ID: 2419450). An algorithm developed to predict the effect of missense changes on protein structure and function (PolyPhen-2) suggests that this variant is likely to be disruptive. In summary, the available evidence is currently insufficient to determine the role of this variant in disease. Therefore, it has been classified as a Variant of Uncertain Significance.